The following is an entry in ClinVar:

ClinVar aggregate classification (germline): Uncertain significance (1 of 4 stars; one submission).

Submission:

GeneDx
Classification: Uncertain significance. Last evaluated: 2017-11-22. Review status: criteria provided, single submitter. Criteria: GeneDx Variant Classification (06012015). Collection method: clinical testing. Allele origin: germline. Affected: yes.
Comment: A variant of uncertain significance has been identified in the COL5A1 gene. The c.2385 G>A variant has not been published as pathogenic or been reported as benign to our knowledge. The c.2385 G>A variant is not observed in large population cohorts (Lek et al., 2016). Although c.2385 G>A (K795=) does not alter the predicted amino acid sequence, this substitution occurs at a nucleotide that is conserved in mammals and is located within the last nucleotide of exon 27. Several in silico splice algorithms predict this variant may reduce the efficiency of the natural splice donor site at intron 27, which may lead to aberrant gene splicing. However, in the absence of functional mRNA studies, the physiological consequence of this variant cannot be precisely determined.

NM_000093.5(COL5A1):c.2385G>A (p.Lys795=)

Gene: COL5A1 (collagen type V alpha 1 chain; plus strand). Cytogenetic location: 9q34.3.
Variant type: single nucleotide variant.
Coding change: c.2385G>A on transcript NM_000093.5 (MANE Select); coding-DNA position 2385, G replaced by A.
Protein change: p.Lys795=; no amino-acid change (lysine 795 retained).
Molecular consequence: synonymous variant.
Genome position (GRCh38, 1-based): chr9:134,774,912, G>A. VCF-style: chr9-134774912-G-A. GRCh37 (hg19) VCF-style: chr9-137666758-G-A.
Other names: c.2385G>A, p.Lys795= (NM_001278074.1).
Identifiers: ClinVar variation 489170 (VCV000489170.2), dbSNP rs1554797638, ClinGen allele CA467660365.